The following is an entry in ClinVar:

ClinVar aggregate classification (germline): Uncertain significance (1 of 4 stars; one submission).

Conditions:
Baller-Gerold syndrome (BGS). Also called: CRANIOSYNOSTOSIS WITH RADIAL DEFECTS. Identifiers: Orphanet 1225, MedGen C0265308, MONDO:0009039, OMIM 218600.

Submission:

Labcorp Genetics (formerly Invitae), Labcorp
Classification: Uncertain significance for Baller-Gerold syndrome. Last evaluated: 2022-07-15. Review status: criteria provided, single submitter. Criteria: Invitae Variant Classification Sherloc (09022015). Collection method: clinical testing. Allele origin: germline.
Comment: This sequence change replaces glutamic acid, which is acidic and polar, with aspartic acid, which is acidic and polar, at codon 224 of the RECQL4 protein (p.Glu224Asp). This variant is not present in population databases (gnomAD no frequency). This variant has not been reported in the literature in individuals affected with RECQL4-related conditions. Algorithms developed to predict the effect of sequence changes on RNA splicing suggest that this variant may create or strengthen a splice site. In summary, the available evidence is currently insufficient to determine the role of this variant in disease. Therefore, it has been classified as a Variant of Uncertain Significance.

NM_004260.4(RECQL4):c.672G>C (p.Glu224Asp)

Gene: RECQL4 (RecQ like helicase 4; minus strand). Cytogenetic location: 8q24.3.
Variant type: single nucleotide variant.
Coding change: c.672G>C on transcript NM_004260.4 (MANE Select); coding-DNA position 672, G replaced by C.
Protein change: p.Glu224Asp; replaces glutamic acid 224 with aspartic acid.
Molecular consequence: missense variant.
Genome position (GRCh38, 1-based): chr8:144,516,447, C>G on the plus strand (G>C on the coding strand, the complement: RECQL4 is on the minus strand). VCF-style: chr8-144516447-C-G. GRCh37 (hg19) VCF-style: chr8-145741831-C-G.
Other names: c.672G>C, p.Glu224Asp (NM_001413017.1, NM_001413018.1, NM_001413019.1 and 4 more transcripts); c.-400G>C (NM_001413022.1, NM_001413023.1, NM_001413024.1 and 5 more transcripts); c.543G>C, p.Glu181Asp (NM_001413025.1); c.-462G>C (NM_001413027.1, NM_001413030.1, NM_001413031.1 and 2 more transcripts); c.-304G>C (NM_001413034.1); c.-669G>C (NM_001413043.1); short protein forms E181D, E224D.
Identifiers: ClinVar variation 1713465 (VCV001713465.5), dbSNP rs2538093429, ClinGen allele CA372689790.